The following is an entry in ClinVar:

NM_004174.4(SLC9A3):c.2065C>T (p.Arg689Trp)

Genes: SLC9A3 (solute carrier family 9 member A3), SLC9A3-AS1 (SLC9A3 antisense RNA 1; plus strand). Cytogenetic location: 5p15.33.
Variant type: single nucleotide variant.
Coding change: c.2065C>T on transcript NM_004174.4 (MANE Select); coding-DNA position 2065, C replaced by T.
Protein change: p.Arg689Trp; replaces arginine 689 with tryptophan.
Molecular consequence: missense variant.
Genome position (GRCh38, 1-based): chr5:476,204, G>A on the plus strand (C>T on the coding strand, the complement: SLC9A3 is on the minus strand). VCF-style: chr5-476204-G-A. GRCh37 (hg19) VCF-style: chr5-476319-G-A.
Other names: c.2038C>T, p.Arg680Trp (NM_001284351.3); c.2065C>T (NM_004174.2); short protein forms R689W, R680W.
Identifiers: ClinVar variation 1373240 (VCV001373240.9), dbSNP rs760662014, ClinGen allele CA3175599.
Genomic context (GRCh38, chr5:476,204, plus strand): 5'-CTGACTGCCCCCGCTCCAGGCCCCAGCCCCGCCAAGCCTCCTGGTGACCCAGCCTTACCC[G>A]CTTCTGGGCACGCTCCCGCTTGTACAGCTTGGCCGCCTTCTTGTTCTGGTTGAGCCCCAG-3'
Protein context (NP_004165.2, residues 679-699): KLYKRERAQK[Arg689Trp]RNSSIPNGKL

ClinVar aggregate classification (germline): Uncertain significance. Review status: criteria provided, multiple submitters, no conflicts (2 of 4 stars). 2 submissions from 2 submitters: Uncertain significance (2). Last evaluated 2023-06-04.

Conditions:
Inborn genetic diseases. Identifiers: MedGen C0950123, MeSH D030342.

Allele frequency attached by ClinVar (database versions not stated): gnomAD 0.00001; ExAC 0.00002; gnomAD exomes 0.00004 and 0.00005.
gnomAD v4.1: 69 of 1,613,440 alleles (0.0043%); highest among the groups gnomAD compares: Non-Finnish European, 0.0053%; no homozygotes.

Submissions (2):

Labcorp Genetics (formerly Invitae), Labcorp
Classification: Uncertain significance. Last evaluated: 2023-06-04. Review status: criteria provided, single submitter. Criteria: Invitae Variant Classification Sherloc (09022015). Collection method: clinical testing. Allele origin: germline.
Comment: In summary, the available evidence is currently insufficient to determine the role of this variant in disease. Therefore, it has been classified as a Variant of Uncertain Significance. Algorithms developed to predict the effect of sequence changes on RNA splicing suggest that this variant may create or strengthen a splice site. An algorithm developed to predict the effect of missense changes on protein structure and function (PolyPhen-2) suggests that this variant is likely to be disruptive. ClinVar contains an entry for this variant (Variation ID: 1373240). This variant has not been reported in the literature in individuals affected with SLC9A3-related conditions. This variant is present in population databases (rs760662014, gnomAD 0.01%). This sequence change replaces arginine, which is basic and polar, with tryptophan, which is neutral and slightly polar, at codon 689 of the SLC9A3 protein (p.Arg689Trp).

Ambry Genetics
Classification: Uncertain significance for Inborn genetic diseases. Last evaluated: 2022-11-17. Review status: criteria provided, single submitter. Criteria: Ambry Variant Classification Scheme 2023. Collection method: clinical testing. Allele origin: germline.